The following is an entry in ClinVar:

NM_006269.2(RP1):c.6064A>C (p.Lys2022Gln)

Genes: RP1 (RP1 axonemal microtubule associated; plus strand), LOC126860392 (CDK7 strongly-dependent group 2 enhancer GRCh37_chr8:55541319-55542518; plus strand). Cytogenetic location: 8q12.1.
Variant type: single nucleotide variant.
Coding change: c.6064A>C on transcript NM_006269.2 (MANE Select); coding-DNA position 6064, A replaced by C.
Protein change: p.Lys2022Gln; replaces lysine 2022 with glutamine.
Molecular consequence: missense variant.
Genome position (GRCh38, 1-based): chr8:54,629,946, A>C. VCF-style: chr8-54629946-A-C. GRCh37 (hg19) VCF-style: chr8-55542506-A-C.
Other names: short protein forms K2022Q.
Identifiers: ClinVar variation 363311 (VCV000363311.44), dbSNP rs184596875, ClinGen allele CA4752171.
Genomic context (GRCh38, chr8:54,629,946, plus strand): 5'-GGTAAAAGAAGAAAACAAAAAAGAATTAACTTCTTGGGGTTAGAGGAAGAAGGTAATTTA[A>C]AGAAATTTCAACCAGATTTGAAGGAAAGGTTTTGTATGAATTTCTTGCACACATCATTGT-3'
Protein context (NP_006260.1, residues 2012-2032): FLGLEEEGNL[Lys2022Gln]KFQPDLKERF

ClinVar aggregate classification (germline): Benign/Likely benign. Review status: criteria provided, multiple submitters, no conflicts (2 of 4 stars). 4 submissions from 4 submitters: Benign (1); Likely benign (3). Last evaluated 2024-10-22.

Conditions:
Retinitis pigmentosa (RP). Identifiers: Orphanet 791, MedGen C0035334, MeSH D012174, MONDO:0019200, OMIM 268000. Inheritance: Autosomal dominant, autosomal recessive and X linked inheritance.

Allele frequency attached by ClinVar (database versions not stated): TOPMed 0.00009; 1000 Genomes Project 30x 0.00031; 1000 Genomes Project 0.00040; gnomAD 0.00121.

Submissions (4):

Blueprint Genetics
Classification: Likely benign. Last evaluated: 2024-10-22. Review status: criteria provided, single submitter. Criteria: ACMG Guidelines, 2015. Collection method: clinical testing. Allele origin: germline.

Labcorp Genetics (formerly Invitae), Labcorp
Classification: Benign. Last evaluated: 2023-08-10. Review status: criteria provided, single submitter. Criteria: Invitae Variant Classification Sherloc (09022015). Collection method: clinical testing. Allele origin: germline.

CeGaT Center for Human Genetics Tuebingen
Classification: Likely benign. Last evaluated: 2023-03-01. Review status: criteria provided, single submitter. Criteria: CeGaT Center For Human Genetics Tuebingen Variant Classification Criteria Version 2. Collection method: clinical testing. Allele origin: germline. Affected: yes. Observed: 1 variant allele.
Comment: RP1: BP1, BP4

Illumina Laboratory Services, Illumina
Classification: Likely benign for Retinitis pigmentosa. Last evaluated: 2018-01-12. Review status: criteria provided, single submitter. Criteria: ICSL Variant Classification Criteria 13 December 2019. Collection method: clinical testing. Allele origin: germline.
Comment: This variant was observed in the ICSL laboratory as part of a predisposition screen in an ostensibly healthy population. It had not been previously curated by ICSL or reported in the Human Gene Mutation Database (HGMD: prior to June 1st, 2018), and was therefore a candidate for classification through an automated scoring system. Utilizing variant allele frequency, disease prevalence and penetrance estimates, and inheritance mode, an automated score was calculated to assess if this variant is too frequent to cause the disease. Based on the score and internal cut-off values, a variant classified as likely benign is not then subjected to further curation. The score for this variant resulted in a classification of likely benign for this disease.